The following is an entry in ClinVar:

NM_032638.5(GATA2):c.221C>G (p.Pro74Arg)

Gene: GATA2 (GATA binding protein 2; minus strand). Cytogenetic location: 3q21.3.
Variant type: single nucleotide variant.
Coding change: c.221C>G on transcript NM_032638.5 (MANE Select); coding-DNA position 221, C replaced by G.
Protein change: p.Pro74Arg; replaces proline 74 with arginine.
Molecular consequence: missense variant.
Genome position (GRCh38, 1-based): chr3:128,486,811, G>C on the plus strand (C>G on the coding strand, the complement: GATA2 is on the minus strand). VCF-style: chr3-128486811-G-C. GRCh37 (hg19) VCF-style: chr3-128205654-G-C.
Other names: c.221C>G, p.Pro74Arg (NM_001145661.2, NM_001145662.1); short protein forms P74R.
Identifiers: ClinVar variation 5022216 (VCV005022216.1).
Genomic context (GRCh38, chr3:128,486,811, plus strand): 5'-CTCGCCTGGCGCGCGGCGCCTGGGTTCTCATCACCACGGGCCCAGTGCTCACCGTGCGCG[G>C]GGCTGTAGGAGACGCGCGCCCGCGCGTGAGCGGGGTTGGCATAGTAGGGGTTGCCCTGCG-3'
Protein context (NP_116027.2, residues 64-84): AHARARVSYS[Pro74Arg]AHARLTGGQM

ClinVar aggregate classification (germline): Uncertain significance (1 of 4 stars; one submission).

Conditions:
Inborn genetic diseases. Identifiers: MedGen C0950123, MeSH D030342.

Submission:

Ambry Genetics
Classification: Uncertain significance for Inborn genetic diseases. Last evaluated: 2026-07-07. Review status: criteria provided, single submitter. Criteria: Ambry Variant Classification Scheme 2023. Collection method: clinical testing. Allele origin: germline.
Comment: The p.P74R variant (also known as c.221C>G), located in coding exon 1 of the GATA2 gene, results from a C to G substitution at nucleotide position 221. The proline at codon 74 is replaced by arginine, an amino acid with dissimilar properties. This amino acid position is conserved. In addition, the in silico prediction for this alteration is inconclusive. Based on the available evidence, the clinical significance of this variant remains unclear.